The following is an entry in ClinVar:

ClinVar aggregate classification (germline): Conflicting classifications of pathogenicity. Review status: criteria provided, conflicting classifications (1 of 4 stars). 2 submissions from 2 submitters: Uncertain significance (1); Likely benign (1). Last evaluated 2026-08-01.

gnomAD v4.1: 18 of 1,613,442 alleles (0.0011%); highest among the groups gnomAD compares: Non-Finnish European, 0.0014%; no homozygotes.

Submissions (2):

CeGaT Center for Human Genetics Tuebingen
Classification: Likely benign. Last evaluated: 2026-08-01. Review status: criteria provided, single submitter. Criteria: CeGaT Center For Human Genetics Tuebingen Variant Classification Criteria Version 2. Collection method: clinical testing. Allele origin: germline. Affected: yes. Observed: 1 variant allele.
Comment: DOCK4: BP4

Ambry Genetics
Classification: Uncertain significance. Last evaluated: 2024-08-20. Review status: criteria provided, single submitter. Criteria: Ambry Variant Classification Scheme 2023. Collection method: clinical testing. Allele origin: germline.

NM_001363540.2(DOCK4):c.5513T>A (p.Val1838Glu)

Gene: DOCK4 (dedicator of cytokinesis 4; minus strand). Cytogenetic location: 7q31.1.
Variant type: single nucleotide variant.
Coding change: c.5513T>A on transcript NM_001363540.2 (MANE Select); coding-DNA position 5513, T replaced by A.
Protein change: p.Val1838Glu; replaces valine 1838 with glutamic acid.
Molecular consequence: missense variant.
Genome position (GRCh38, 1-based): chr7:111,728,689, A>T on the plus strand (T>A on the coding strand, the complement: DOCK4 is on the minus strand). VCF-style: chr7-111728689-A-T. GRCh37 (hg19) VCF-style: chr7-111368745-A-T.
Other names: c.5486T>A, p.Val1829Glu (NM_014705.4); short protein forms V1829E, V1838E.
Identifiers: ClinVar variation 3504437 (VCV003504437.2).